The following is an entry in ClinVar:

ClinVar aggregate classification (germline): Pathogenic (1 of 4 stars; one submission).

Conditions:
Treacher Collins syndrome 1 (TCS1). Also called: TCOF1-Related Treacher Collins Syndrome. Identifiers: Orphanet 861, MedGen CN315775, MONDO:0007944, OMIM 154500.

Submission:

Department of Medical Genetics, Ordu University Medical School Training and Research Hospital
Classification: Pathogenic for Treacher Collins syndrome 1. Last evaluated: 2026-07-28. Review status: criteria provided, single submitter. Criteria: ACMG Guidelines, 2015. Collection method: clinical testing. Allele origin: maternal. Inheritance: Autosomal dominant inheritance. Affected: yes. Observed: 1 variant allele, 1 heterozygote.
Comment: Nonsense variant, p.Ser890Ter. The premature termination codon lies well upstream of the 3'-terminal exon-exon junction and the transcript is predicted to undergo nonsense-mediated decay. Loss of function is the established disease mechanism for TCOF1 in Treacher Collins syndrome 1, and ClinGen has assigned the gene a haploinsufficiency score of 3 (PVS1). Absent from gnomAD v4 (PM2). Treacher Collins syndrome 1 shows marked intrafamilial variability, including mildly affected transmitting parents.

NM_001371623.1(TCOF1):c.2669C>G (p.Ser890Ter)

Gene: TCOF1 (treacle ribosome biogenesis factor 1; plus strand). Cytogenetic location: 5q32.
Variant type: single nucleotide variant.
Coding change: c.2669C>G on transcript NM_001371623.1 (MANE Select); coding-DNA position 2669, C replaced by G.
Protein change: p.Ser890Ter; replaces serine 890 with a stop codon.
Molecular consequence: nonsense.
Genome position (GRCh38, 1-based): chr5:150,379,542, C>G. VCF-style: chr5-150379542-C-G. GRCh37 (hg19) VCF-style: chr5-149759105-C-G.
Other names: c.2438C>G, p.Ser813Ter (NM_001135245.2, NM_001437406.1, NM_000356.4); c.2669C>G, p.Ser890Ter (NM_001195141.2, NM_001008657.3, NM_001135243.2 and 1 more transcripts); short protein forms S813*, S890*.
Identifiers: ClinVar variation 4880491 (VCV004880491.1).